The following is an entry in ClinVar:

NM_025243.4(SLC19A3):c.98C>T (p.Pro33Leu)

Gene: SLC19A3 (solute carrier family 19 member 3; minus strand). Cytogenetic location: 2q36.3.
Variant type: single nucleotide variant.
Coding change: c.98C>T on transcript NM_025243.4 (MANE Select); coding-DNA position 98, C replaced by T.
Protein change: p.Pro33Leu; replaces proline 33 with leucine.
Molecular consequence: missense variant. On other transcripts: 5 prime UTR variant (2).
Genome position (GRCh38, 1-based): chr2:227,702,221, G>A on the plus strand (C>T on the coding strand, the complement: SLC19A3 is on the minus strand). VCF-style: chr2-227702221-G-A. GRCh37 (hg19) VCF-style: chr2-228566937-G-A.
Other names: c.98C>T, p.Pro33Leu (NM_001371411.1, NM_001371412.1); c.-111C>T (NM_001371413.1, NM_001371414.1); short protein forms P33L.
Identifiers: ClinVar variation 1431165 (VCV001431165.7), dbSNP rs2106332628, ClinGen allele CA350877943.

ClinVar aggregate classification (germline): Uncertain significance. Review status: criteria provided, multiple submitters, no conflicts (2 of 4 stars). 2 submissions from 2 submitters: Uncertain significance (2). Last evaluated 2025-12-08.

Conditions:
Biotin-responsive basal ganglia disease (BTBGD). Also called: Thiamine metabolism dysfunction syndrome type 2; Thiamine Transporter-2 Deficiency; THIAMINE METABOLISM DYSFUNCTION SYNDROME 2 (BIOTIN- AND THIAMINE-RESPONSIVE TYPE); Thiamine metabolism dysfunction syndrome 2 (biotin- or thiamine-responsive encephalopathy type 2); thiamine-responsive encephalopathy. Identifiers: Orphanet 199348, Orphanet 65284, MedGen C1843807, MONDO:0011841, OMIM 607483.

Submissions (2):

Victorian Clinical Genetics Services, Murdoch Childrens Research Institute
Classification: Uncertain significance for Biotin-responsive basal ganglia disease. Last evaluated: 2025-12-08. Review status: criteria provided, single submitter. Criteria: ACMG Guidelines, 2015. Collection method: clinical testing. Allele origin: germline. Affected: yes.
Comment: This variant is classified as VUS-3A. Evidence in support of pathogenic classification: Variant is absent from gnomAD (v2, v3 and v4); Another missense variant comparable to the one identified in this case has limited previous evidence for pathogenicity. The p.(Pro33Gln) variant has been reported in an individual with Leigh-like syndrome, who also carried an NMD-predicted variant, but no information regarding phasing of the variants was provided (PMID: 34276785); Missense variant predicted to be damaging by in silico tool(s) or highly conserved with a major amino acid change; Heterozygous variant detected in trans with a second PATHOGENIC heterozygous variant (NM_025243.4(SLC19A3):c.81_82dup; p.(Met28Argfs*2)) in a recessive disease. Additional information: Variant is predicted to result in a missense amino acid change from Pro to Leu; This variant is heterozygous; This gene is associated with autosomal recessive disease; Alternative amino acid change(s) at the same position are present in gnomAD (highest allele count: v4: 6 heterozygote(s), 0 homozygote(s)); Previous evidence of pathogenicity for this variant is inconclusive. This variant has been classified as a VUS by a clinical laboratory in ClinVar; No published evidence of segregation with disease has been identified for this variant; No published functional evidence has been identified for this variant; Variant is located in the annotated reduced folate carrier domain (DECIPHER); Loss of function is a known mechanism of disease in this gene and is associated with thiamine metabolism dysfunction syndrome 2 (biotin/thiamine-responsive basal ganglia disease type, MIM#607483).

Labcorp Genetics (formerly Invitae), Labcorp
Classification: Uncertain significance for Biotin-responsive basal ganglia disease. Last evaluated: 2022-11-15. Review status: criteria provided, single submitter. Criteria: Invitae Variant Classification Sherloc (09022015). Collection method: clinical testing. Allele origin: germline.
Comment: This sequence change replaces proline, which is neutral and non-polar, with leucine, which is neutral and non-polar, at codon 33 of the SLC19A3 protein (p.Pro33Leu). In summary, the available evidence is currently insufficient to determine the role of this variant in disease. Therefore, it has been classified as a Variant of Uncertain Significance. Advanced modeling of protein sequence and biophysical properties (such as structural, functional, and spatial information, amino acid conservation, physicochemical variation, residue mobility, and thermodynamic stability) performed at Invitae indicates that this missense variant is expected to disrupt SLC19A3 protein function. ClinVar contains an entry for this variant (Variation ID: 1431165). This variant has not been reported in the literature in individuals affected with SLC19A3-related conditions. This variant is not present in population databases (gnomAD no frequency).

Literature cited by the submitters: PubMed 34276785 (cited by Victorian Clinical Genetics Services, Murdoch Childrens Research Institute).